The following is an entry in ClinVar:

NM_004482.4(GALNT3):c.-295T>A

Gene: GALNT3 (polypeptide N-acetylgalactosaminyltransferase 3; minus strand). Cytogenetic location: 2q24.3.
Variant type: single nucleotide variant.
Coding change: c.-295T>A on transcript NM_004482.4 (MANE Select); 295 bases upstream of the start codon, T replaced by A.
Molecular consequence: 5 prime UTR variant.
Genome position (GRCh38, 1-based): chr2:165,794,201, A>T on the plus strand (T>A on the coding strand, the complement: GALNT3 is on the minus strand). VCF-style: chr2-165794201-A-T. GRCh37 (hg19) VCF-style: chr2-166650711-A-T.
Identifiers: ClinVar variation 331793 (VCV000331793.6), dbSNP rs111425435, ClinGen allele CA10612709.

ClinVar aggregate classification (germline): Benign. Review status: criteria provided, multiple submitters, no conflicts (2 of 4 stars). 2 submissions from 2 submitters: Benign (2). Last evaluated 2018-01-12.

Conditions:
Tumoral calcinosis, hyperphosphatemic, familial, 1. Also called: LIPOCALCINOGRANULOMATOSIS; MORBUS TEUTSCHLAENDER; TEUTSCHLAENDER DISEASE, FAMILIAL; TUMORAL CALCINOSIS, PRIMARY HYPERPHOSPHATEMIC; CALCINOSIS, TUMORAL, WITH HYPERPHOSPHATEMIA; HYPEROSTOSIS WITH HYPERPHOSPHATEMIA. Identifiers: Orphanet 53715, MedGen C4692564, MONDO:0100252, OMIM 211900.

Allele frequency attached by ClinVar (database versions not stated): 1000 Genomes Project 0.01438; 1000 Genomes Project 30x 0.01452; TOPMed 0.02184; gnomAD 0.02677 and 0.02796; gnomAD exomes 0.07115.
gnomAD v4.1: 4,131 of 152,750 alleles (2.7%); highest among the groups gnomAD compares: Non-Finnish European, 4.1%; 94 homozygotes.

Submissions (2):

Illumina Laboratory Services, Illumina
Classification: Benign for Tumoral calcinosis, hyperphosphatemic, familial, 1. Last evaluated: 2018-01-12. Review status: criteria provided, single submitter. Criteria: ICSL Variant Classification Criteria 13 December 2019. Collection method: clinical testing. Allele origin: germline.
Comment: This variant was observed in the ICSL laboratory as part of a predisposition screen in an ostensibly healthy population. It had not been previously curated by ICSL or reported in the Human Gene Mutation Database (HGMD: prior to June 1st, 2018), and was therefore a candidate for classification through an automated scoring system. Utilizing variant allele frequency, disease prevalence and penetrance estimates, and inheritance mode, an automated score was calculated to assess if this variant is too frequent to cause the disease. Based on the score and internal cut-off values, a variant classified as benign is not then subjected to further curation. The score for this variant resulted in a classification of benign for this disease.

Breakthrough Genomics
Classification: Benign. Review status: criteria provided, single submitter. Criteria: ACMG Guidelines, 2015. Collection method: not provided. Allele origin: germline. Inheritance: Autosomal recessive inheritance. Affected: yes.